The following is an entry in ClinVar:

ClinVar aggregate classification (germline): Uncertain significance. Review status: criteria provided, single submitter (1 of 4 stars). 2 submissions from 2 submitters: Uncertain significance (1). 1 of the submissions does not count toward it. Last evaluated 2024-02-05.

Conditions:
Inborn genetic diseases. Identifiers: MedGen C0950123, MeSH D030342.
PCNT-related disorder. Also called: PCNT-related condition.

Allele frequency attached by ClinVar (database versions not stated): ESP Exome Variant Server 0.00015.
gnomAD v4.1: 34 of 1,596,948 alleles (0.0021%); highest among the groups gnomAD compares: Non-Finnish European, 0.0028%; no homozygotes.

Submissions (2):

Ambry Genetics
Classification: Uncertain significance for Inborn genetic diseases. Last evaluated: 2024-02-05. Review status: criteria provided, single submitter. Criteria: Ambry Variant Classification Scheme 2023. Collection method: clinical testing. Allele origin: germline.

PreventionGenetics, part of Exact Sciences
Classification: Uncertain significance for PCNT-related condition. Last evaluated: 2024-07-09. Review status: no assertion criteria provided. Collection method: clinical testing. Allele origin: germline. Not counted in ClinVar's aggregate classification.
Comment: The PCNT c.931G>T variant is predicted to result in the amino acid substitution p.Ala311Ser. To our knowledge, this variant has not been reported in the literature. This variant is reported in 0.0041% of alleles in individuals of European (Non-Finnish) descent in gnomAD. At this time, the clinical significance of this variant is uncertain due to the absence of conclusive functional and genetic evidence.

NM_006031.6(PCNT):c.931G>T (p.Ala311Ser)

Gene: PCNT (pericentrin; plus strand). Cytogenetic location: 21q22.3.
Variant type: single nucleotide variant.
Coding change: c.931G>T on transcript NM_006031.6 (MANE Select); coding-DNA position 931, G replaced by T.
Protein change: p.Ala311Ser; replaces alanine 311 with serine.
Molecular consequence: missense variant.
Genome position (GRCh38, 1-based): chr21:46,346,953, G>T. VCF-style: chr21-46346953-G-T. GRCh37 (hg19) VCF-style: chr21-47766867-G-T.
Other names: c.577G>T, p.Ala193Ser (NM_001315529.2); short protein forms A311S, A193S.
Identifiers: ClinVar variation 3210389 (VCV003210389.2), dbSNP rs140196457, ClinGen allele CA321992990.